The following is an entry in ClinVar:

NM_003906.5(MCM3AP):c.4196C>T (p.Thr1399Ile)

Genes: MCM3AP-AS1 (MCM3AP antisense RNA 1; plus strand), MCM3AP (minichromosome maintenance complex component 3 associated protein; minus strand). Cytogenetic location: 21q22.3.
Variant type: single nucleotide variant.
Coding change: c.4196C>T on transcript NM_003906.5 (MANE Select); coding-DNA position 4196, C replaced by T.
Protein change: p.Thr1399Ile; replaces threonine 1399 with isoleucine.
Molecular consequence: missense variant. On other transcripts: non-coding transcript variant (2).
Genome position (GRCh38, 1-based): chr21:46,251,623, G>A on the plus strand (C>T on the coding strand, the complement: MCM3AP is on the minus strand). VCF-style: chr21-46251623-G-A. GRCh37 (hg19) VCF-style: chr21-47671537-G-A.
Other names: short protein forms T1399I.
Identifiers: ClinVar variation 1948600 (VCV001948600.2), dbSNP rs1033022322, ClinGen allele CA321980020.
Genomic context (GRCh38, chr21:46,251,623, plus strand): 5'-CCTTTGCTGCTAAGTGAGTTGAAAAGCGAAAGCGTCTGAATCCCACCAGCATCGCTGGAT[G>A]TGTCATCCACTGAGCCTTCATCTCCCATGAACTTGACTTTTAACCAATTTGCTAGAATTC-3'
Protein context (NP_003897.2, residues 1389-1409): FMGDEGSVDD[Thr1399Ile]SSDAGGIQTL

ClinVar aggregate classification (germline): Uncertain significance (1 of 4 stars; one submission).

Allele frequency attached by ClinVar (database versions not stated): gnomAD exomes below 0.00001; TOPMed below 0.00001.
gnomAD v4.1: 3 of 1,610,798 alleles (0.00019%); highest among the groups gnomAD compares: Non-Finnish European, 0.00017%; no homozygotes.

Submission:

Labcorp Genetics (formerly Invitae), Labcorp
Classification: Uncertain significance. Last evaluated: 2022-06-15. Review status: criteria provided, single submitter. Criteria: Invitae Variant Classification Sherloc (09022015). Collection method: clinical testing. Allele origin: germline.
Comment: This sequence change replaces threonine, which is neutral and polar, with isoleucine, which is neutral and non-polar, at codon 1399 of the MCM3AP protein (p.Thr1399Ile). This variant is present in population databases (no rsID available, gnomAD 0.0009%). This variant has not been reported in the literature in individuals affected with MCM3AP-related conditions. Algorithms developed to predict the effect of missense changes on protein structure and function output the following: SIFT: "Tolerated"; PolyPhen-2: "Benign"; Align-GVGD: "Class C0". The isoleucine amino acid residue is found in multiple mammalian species, which suggests that this missense change does not adversely affect protein function. In summary, the available evidence is currently insufficient to determine the role of this variant in disease. Therefore, it has been classified as a Variant of Uncertain Significance.